The following is an entry in ClinVar:

ClinVar aggregate classification (germline): Pathogenic (1 of 4 stars; one submission).

Conditions:
Gorlin syndrome. Also called: Nevoid Basal Cell Carcinoma Syndrome; Basal cell nevus syndrome. Identifiers: Orphanet 377, MedGen C0004779, MONDO:0007187.
Medulloblastoma (MDB). Also called: MEDULLOBLASTOMA PREDISPOSITION SYNDROME; Medulloblastoma, somatic. Identifiers: Orphanet 616, MedGen C0025149, MeSH D008527, MONDO:0007959, OMIM 155255, HP:0002885.

Submission:

Labcorp Genetics (formerly Invitae), Labcorp
Classification: Pathogenic for Gorlin syndrome; Medulloblastoma. Last evaluated: 2022-10-08. Review status: criteria provided, single submitter. Criteria: Invitae Variant Classification Sherloc (09022015). Collection method: clinical testing. Allele origin: germline.
Comment: This variant is not present in population databases (gnomAD no frequency). For these reasons, this variant has been classified as Pathogenic. Algorithms developed to predict the effect of sequence changes on RNA splicing suggest that this variant may disrupt the consensus splice site. ClinVar contains an entry for this variant (Variation ID: 571265). Disruption of this splice site has been observed in individual(s) with autosomal dominant basal cell nevus syndrome (Invitae). It has also been observed to segregate with disease in related individuals. This sequence change affects a donor splice site in intron 3 of the SUFU gene. It is expected to disrupt RNA splicing. Variants that disrupt the donor or acceptor splice site typically lead to a loss of protein function (PMID: 16199547), and loss-of-function variants in SUFU are known to be pathogenic (PMID: 22508808, 25403219, 33024317).

Literature cited by the submitters: PubMed 16199547; PubMed 22508808; PubMed 25403219; PubMed 33024317.

NM_016169.4(SUFU):c.454+1G>A

Gene: SUFU (SUFU negative regulator of hedgehog signaling; plus strand). Cytogenetic location: 10q24.32.
Variant type: single nucleotide variant.
Coding change: c.454+1G>A on transcript NM_016169.4 (MANE Select); the canonical splice donor site of the intron after coding-DNA position 454, G replaced by A.
Molecular consequence: splice donor variant.
Genome position (GRCh38, 1-based): chr10:102,550,107, G>A. VCF-style: chr10-102550107-G-A. GRCh37 (hg19) VCF-style: chr10-104309864-G-A.
Other names: c.454+1G>A (NM_001178133.2).
Identifiers: ClinVar variation 571265 (VCV000571265.9), dbSNP rs1564676479, ClinGen allele CA377903758.
Genomic context (GRCh38, chr10:102,550,107, plus strand): 5'-CCCCACCAACATGGCCCGCAGAGTTAATGCAGGGCTTGGCACGATACGTGTTCCAGTCAG[G>A]TAGGAGGCCAGGGCTGGCTGCTGTGCTGGTCCTTTTGCCATGAGCCTGGTTGACTTTGAG-3'